The following is an entry in ClinVar:

ClinVar aggregate classification (germline): Uncertain significance. Review status: criteria provided, multiple submitters, no conflicts (2 of 4 stars). 2 submissions from 2 submitters: Uncertain significance (2). Last evaluated 2024-12-30.

Conditions:
Congenital myotonia, autosomal dominant form (THD). Also called: THOMSEN DISEASE; Myotonia congenita autosomal dominant. Identifiers: Orphanet 614, MedGen C2936781, MONDO:0008055, OMIM 160800.
Congenital myotonia, autosomal recessive form. Also called: BECKER DISEASE; Becker Generalized Myotonia; myotonia congenita, autosomal recessive. Identifiers: Orphanet 614, MedGen C0751360, MONDO:0009715, OMIM 255700.

Submissions (2):

Labcorp Genetics (formerly Invitae), Labcorp
Classification: Uncertain significance for Congenital myotonia, autosomal recessive form; Congenital myotonia, autosomal dominant form. Last evaluated: 2024-12-30. Review status: criteria provided, single submitter. Criteria: Invitae Variant Classification Sherloc (09022015). Collection method: clinical testing. Allele origin: germline.
Comment: This sequence change affects codon 138 of the CLCN1 mRNA. It is a 'silent' change, meaning that it does not change the encoded amino acid sequence of the CLCN1 protein. This variant is not present in population databases (gnomAD no frequency). This variant has not been reported in the literature in individuals affected with CLCN1-related conditions. ClinVar contains an entry for this variant (Variation ID: 2927191). Algorithms developed to predict the effect of sequence changes on RNA splicing suggest that this variant may disrupt the consensus splice site. In summary, the available evidence is currently insufficient to determine the role of this variant in disease. Therefore, it has been classified as a Variant of Uncertain Significance.

GeneDx
Classification: Uncertain significance. Last evaluated: 2023-10-18. Review status: criteria provided, single submitter. Criteria: GeneDx Variant Classification Process June 2021. Collection method: clinical testing. Allele origin: germline. Affected: yes.
Comment: Not observed at significant frequency in large population cohorts (gnomAD); In silico analysis supports a deleterious effect on splicing; Has not been previously published as pathogenic or benign to our knowledge

NM_000083.3(CLCN1):c.414C>G (p.Val138=)

Gene: CLCN1 (chloride voltage-gated channel 1; plus strand). Cytogenetic location: 7q34.
Variant type: single nucleotide variant.
Coding change: c.414C>G on transcript NM_000083.3 (MANE Select); coding-DNA position 414, C replaced by G.
Protein change: p.Val138=; no amino-acid change (valine 138 retained).
Molecular consequence: synonymous variant. On other transcripts: non-coding transcript variant (1).
Genome position (GRCh38, 1-based): chr7:143,320,776, C>G. VCF-style: chr7-143320776-C-G. GRCh37 (hg19) VCF-style: chr7-143017869-C-G.
Other names: c.414C>G (NM_000083.2).
Identifiers: ClinVar variation 2927191 (VCV002927191.4), dbSNP rs547184431, ClinGen allele CA458293906.
Genomic context (GRCh38, chr7:143,320,776, plus strand): 5'-GATCTTTCTGGTGCTTCTGGGACTGCTGATGGCTCTGGTCAGCTGGAGCATGGACTACGT[C>G]AGTGCCAAAAGCCTTCAGGGTAGGTTTAACCTGGACCTTTGCCCACAGCCGTTTCTGGAG-3'
Protein context (NP_000074.3, residues 128-148): MALVSWSMDY[Val138=]SAKSLQAYKW